The following is an entry in ClinVar:

NM_002878.4(RAD51D):c.856G>A (p.Ala286Thr)

Genes: RAD51D (RAD51 paralog D; minus strand), RAD51L3-RFFL (RAD51L3-RFFL readthrough; minus strand). Cytogenetic location: 17q12.
Variant type: single nucleotide variant.
Coding change: c.856G>A on transcript NM_002878.4 (MANE Select); coding-DNA position 856, G replaced by A.
Protein change: p.Ala286Thr; replaces alanine 286 with threonine.
Molecular consequence: missense variant. On other transcripts: non-coding transcript variant (3).
Genome position (GRCh38, 1-based): chr17:35,101,248, C>T on the plus strand (G>A on the coding strand, the complement: RAD51D is on the minus strand). VCF-style: chr17-35101248-C-T. GRCh37 (hg19) VCF-style: chr17-33428267-C-T.
Other names: c.916G>A, p.Ala306Thr (NM_001142571.2); c.520G>A, p.Ala174Thr (NM_133629.3); short protein forms A174T, A286T, A306T.
Identifiers: ClinVar variation 1172381 (VCV001172381.5), dbSNP rs761054054, ClinGen allele CA399086521.

ClinVar aggregate classification (germline): Conflicting classifications of pathogenicity. Review status: criteria provided, conflicting classifications (1 of 4 stars). 2 submissions from 2 submitters: Uncertain significance (1); Likely benign (1). Last evaluated 2024-03-06.

Conditions:
Hereditary cancer-predisposing syndrome. Also called: Tumor predisposition; Hereditary neoplastic syndrome; Hereditary Cancer Syndrome; Neoplastic Syndromes, Hereditary. Identifiers: Orphanet 140162, MedGen C0027672, MeSH D009386, MONDO:0015356.

Submissions (2):

Color Diagnostics, LLC DBA Color Health
Classification: Uncertain significance for Hereditary cancer-predisposing syndrome. Last evaluated: 2024-03-06. Review status: criteria provided, single submitter. Criteria: ACMG Guidelines, 2015. Collection method: clinical testing. Allele origin: germline.
Comment: This missense variant replaces alanine with threonine at codon 286 of the RAD51D protein. Computational prediction suggests that this variant may not impact protein structure and function (internally defined REVEL score threshold <= 0.5, PMID: 27666373). To our knowledge, functional studies have not been reported for this variant. This variant has not been reported in individuals affected with hereditary cancer in the literature. This variant has not been identified in the general population by the Genome Aggregation Database (gnomAD). The available evidence is insufficient to determine the role of this variant in disease conclusively. Therefore, this variant is classified as a Variant of Uncertain Significance.

Ambry Genetics
Classification: Likely benign for Hereditary cancer-predisposing syndrome. Last evaluated: 2024-02-26. Review status: criteria provided, single submitter. Criteria: Ambry Variant Classification Scheme 2023. Collection method: clinical testing. Allele origin: germline.